The following is an entry in ClinVar:

NM_001281740.3(FHOD3):c.3218C>G (p.Pro1073Arg)

Gene: FHOD3 (formin homology 2 domain containing 3; plus strand). Cytogenetic location: 18q12.2.
Variant type: single nucleotide variant.
Coding change: c.3218C>G on transcript NM_001281740.3 (MANE Select); coding-DNA position 3218, C replaced by G.
Protein change: p.Pro1073Arg; replaces proline 1073 with arginine.
Molecular consequence: missense variant.
Genome position (GRCh38, 1-based): chr18:36,718,516, C>G. VCF-style: chr18-36718516-C-G. GRCh37 (hg19) VCF-style: chr18-34298479-C-G.
Other names: c.2642C>G, p.Pro881Arg (NM_001281739.3); c.2693C>G, p.Pro898Arg (NM_025135.5); short protein forms P1073R, P881R, P898R.
Identifiers: ClinVar variation 1805274 (VCV001805274.1), dbSNP rs915904673, ClinGen allele CA402215579.

ClinVar aggregate classification (germline): Uncertain significance (1 of 4 stars; one submission).

Conditions:
Cardiomyopathy, familial hypertrophic, 28. Identifiers: MedGen C5543616, MONDO:0030317, OMIM 619402.

Allele frequency attached by ClinVar (database versions not stated): gnomAD exomes below 0.00001.
gnomAD v4.1: 1 of 1,614,024 alleles (0.000062%); highest among the groups gnomAD compares: Non-Finnish European, 0.000085%; no homozygotes.

Submission:

Victorian Clinical Genetics Services, Murdoch Childrens Research Institute
Classification: Uncertain significance for Cardiomyopathy, familial hypertrophic, 28. Last evaluated: 2022-02-02. Review status: criteria provided, single submitter. Criteria: ACMG Guidelines, 2015. Collection method: clinical testing. Allele origin: germline. Inheritance: Autosomal dominant inheritance. Affected: yes.
Comment: Based on the classification scheme VCGS_Germline_v1.3.4, this variant is classified as VUS-3C. Following criteria are met: 0105 - The mechanism of disease for this gene is not clearly established. However, dominant negative is a suggested mechanism (PMID: 24088304). (I) 0107 - This gene is associated with autosomal dominant disease. (I) 0112 - The condition associated with this gene has incomplete penetrance (PMID: 30442288). (I) 0200 - Variant is predicted to result in a missense amino acid change from proline to arginine. (I) 0251 - This variant is heterozygous. (I) 0301 - Variant is absent from gnomAD (both v2 and v3). (SP) 0503 - Missense variant consistently predicted to be tolerated by multiple in silico tools or not conserved in placental mammals with a minor amino acid change. (SB) 0600 - Variant is located in the annotated formin homology 2 domain (DECIPHER). (I) 0705 - No comparable missense variants have previous evidence for pathogenicity. (I) 0807 - This variant has no previous evidence of pathogenicity. (I) 0905 - No published segregation evidence has been identified for this variant. (I) 1007 - No published functional evidence has been identified for this variant. (I) 1208 - Inheritance information for this variant is not currently available in this individual. (I) Legend: (SP) - Supporting pathogenic, (I) - Information, (SB) - Supporting benign

Literature cited by the submitters: PubMed 24088304; PubMed 30442288.